The following is an entry in ClinVar:

ClinVar aggregate classification (germline): Uncertain significance. Review status: criteria provided, multiple submitters, no conflicts (2 of 4 stars). 3 submissions from 2 submitters: Uncertain significance (3). Last evaluated 2025-07-01.

Conditions:
Distal arthrogryposis type 2B1 (DA2B1). Also called: Arthrogryposis multiplex congenita distal type II with craniofacial abnormalities. Identifiers: Orphanet 1147, MedGen C5193014, MONDO:0020820, OMIM 601680.
Freeman-Sheldon syndrome (DA2A). Also called: CRANIOCARPOTARSAL DYSPLASIA; CRANIOCARPOTARSAL DYSTROPHY; WHISTLING FACE-WINDMILL VANE HAND SYNDROME; Arthrogryposis, distal, type 2A (Freeman-Sheldon). Identifiers: Orphanet 2053, MedGen C0265224, MONDO:0008675, OMIM 193700.

Allele frequency attached by ClinVar (database versions not stated): ExAC 0.00001; gnomAD 0.00001; gnomAD exomes 0.00001 and 0.00002; TOPMed 0.00002.
gnomAD v4.1: 15 of 1,614,070 alleles (0.00093%); highest among the groups gnomAD compares: African/African-American, 0.0013%; no homozygotes.

Submissions (3):

Labcorp Genetics (formerly Invitae), Labcorp
Classification: Uncertain significance. Last evaluated: 2025-07-01. Review status: criteria provided, single submitter. Criteria: Invitae Variant Classification Sherloc (09022015). Collection method: clinical testing. Allele origin: germline.
Comment: This sequence change falls in intron 15 of the MYH3 gene. It does not directly change the encoded amino acid sequence of the MYH3 protein. This variant is present in population databases (rs767481624, gnomAD 0.05%). This variant has been observed in individual(s) with MYH3-related conditions (PMID: 35169139). ClinVar contains an entry for this variant (Variation ID: 321758). Algorithms developed to predict the effect of sequence changes on RNA splicing suggest that this variant may disrupt the consensus splice site. In summary, the available evidence is currently insufficient to determine the role of this variant in disease. Therefore, it has been classified as a Variant of Uncertain Significance.

Illumina Laboratory Services, Illumina
Classification: Uncertain significance for Distal arthrogryposis type 2B1. Last evaluated: 2018-01-13. Review status: criteria provided, single submitter. Criteria: ICSL Variant Classification Criteria 13 December 2019. Collection method: clinical testing. Allele origin: germline.

Illumina Laboratory Services, Illumina
Classification: Uncertain significance for Freeman-Sheldon syndrome. Last evaluated: 2018-01-13. Review status: criteria provided, single submitter. Criteria: ICSL Variant Classification Criteria 13 December 2019. Collection method: clinical testing. Allele origin: germline.

Literature cited by the submitters: PubMed 35169139 (cited by Labcorp Genetics (formerly Invitae), Labcorp).

NM_002470.4(MYH3):c.1582-6A>G

Gene: MYH3 (myosin heavy chain 3; minus strand). Cytogenetic location: 17p13.1.
Variant type: single nucleotide variant.
Coding change: c.1582-6A>G on transcript NM_002470.4 (MANE Select); 6 bases into the intron before coding-DNA position 1582, A replaced by G.
Molecular consequence: intron variant.
Genome position (GRCh38, 1-based): chr17:10,642,729, T>C on the plus strand (A>G on the coding strand, the complement: MYH3 is on the minus strand). VCF-style: chr17-10642729-T-C. GRCh37 (hg19) VCF-style: chr17-10546046-T-C.
Identifiers: ClinVar variation 321758 (VCV000321758.8), dbSNP rs767481624, ClinGen allele CA8392963.